The following is an entry in ClinVar:

ClinVar aggregate classification (germline): Conflicting classifications of pathogenicity. Review status: criteria provided, conflicting classifications (1 of 4 stars). 2 submissions from 2 submitters: Pathogenic (1); Uncertain significance (1). Last evaluated 2026-01-15.

Submissions (2):

Labcorp Genetics (formerly Invitae), Labcorp
Classification: Pathogenic. Last evaluated: 2026-01-15. Review status: criteria provided, single submitter. Criteria: Invitae Variant Classification Sherloc (09022015). Collection method: clinical testing. Allele origin: germline.
Comment: This sequence change replaces threonine, which is neutral and polar, with methionine, which is neutral and non-polar, at codon 755 of the DDX23 protein (p.Thr755Met). This variant is not present in population databases (gnomAD no frequency). This missense change has been observed in individual(s) with clinical features of DDX23-related neurodevelopmental disorder (PMID: 34050707; internal data). In at least one individual the variant was observed to be de novo. ClinVar contains an entry for this variant (Variation ID: 862674). An algorithm developed to predict the effect of missense changes on protein structure and function (PolyPhen-2) suggests that this variant is likely to be disruptive. For these reasons, this variant has been classified as Pathogenic.

Greenwood Genetic Center Diagnostic Laboratories, Greenwood Genetic Center
Classification: Uncertain significance. Last evaluated: 2020-08-10. Review status: criteria provided, single submitter. Criteria: ACMG Guidelines, 2015. Collection method: clinical testing. Allele origin: germline. Affected: yes.

Literature cited by the submitters: PubMed 34050707 (cited by Labcorp Genetics (formerly Invitae), Labcorp).

NM_004818.3(DDX23):c.2264C>T (p.Thr755Met)

Gene: DDX23 (DEAD-box helicase 23; minus strand). Cytogenetic location: 12q13.12.
Variant type: single nucleotide variant.
Coding change: c.2264C>T on transcript NM_004818.3 (MANE Select); coding-DNA position 2264, C replaced by T.
Protein change: p.Thr755Met; replaces threonine 755 with methionine.
Molecular consequence: missense variant.
Genome position (GRCh38, 1-based): chr12:48,830,668, G>A on the plus strand (C>T on the coding strand, the complement: DDX23 is on the minus strand). VCF-style: chr12-48830668-G-A. GRCh37 (hg19) VCF-style: chr12-49224451-G-A.
Other names: short protein forms T755M.
Identifiers: ClinVar variation 862674 (VCV000862674.12), dbSNP rs1938372282, ClinGen allele CA384665302.